The following is an entry in ClinVar:

NM_000402.4(G6PD):c.1093G>A (p.Ala365Thr)

Gene: G6PD (glucose-6-phosphate dehydrogenase; minus strand). Cytogenetic location: Xq28.
Variant type: single nucleotide variant.
Coding change: c.1093G>A on transcript NM_000402.4; coding-DNA position 1093, G replaced by A.
Protein change: p.Ala365Thr; replaces alanine 365 with threonine.
Molecular consequence: missense variant.
Genome position (GRCh38, 1-based): chrX:154,532,990, C>T on the plus strand (G>A on the coding strand, the complement: G6PD is on the minus strand). VCF-style: chrX-154532990-C-T. GRCh37 (hg19) VCF-style: chrX-153761205-C-T.
Other names: G6PD, ALA335THR; G6PD Chatham; c.1093G>A (NM_000402.3); c.1003G>A, p.Ala335Thr (NM_001042351.3, NM_001360016.2); short protein forms A335T, A365T.
Identifiers: ClinVar variation 10363 (VCV000010363.96), dbSNP rs5030869, ClinGen allele CA120943.

ClinVar aggregate classification (germline): Pathogenic. Review status: criteria provided, multiple submitters, no conflicts (2 of 4 stars). 28 submissions from 28 submitters: Pathogenic (23). 5 of the submissions do not count toward it. Last evaluated 2026-06-04.

Conditions:
G6PD-related disorders.
G6PD-related disorder. Also called: G6PD-related condition.
Malaria, susceptibility to. Identifiers: Orphanet 673, MedGen C1970028, MONDO:0021024, OMIM 611162.
Anemia, nonspherocytic hemolytic, due to G6PD deficiency (CNSHA1). Also called: Class I glucose-6-phosphate dehydrogenase deficiency; ANEMIA, CONGENITAL, NONSPHEROCYTIC HEMOLYTIC, 1; Hemolytic anemia due to G6PD deficiency; Favism, susceptibility to. Identifiers: Orphanet 466026, MedGen C2720289, MONDO:0010480, OMIM 300908.
Inborn genetic diseases. Identifiers: MedGen C0950123, MeSH D030342.
G6PD CHATHAM.

Allele frequency attached by ClinVar (database versions not stated): ExAC 0.00020; gnomAD 0.00003 and 0.00008; TOPMed 0.00005; gnomAD exomes 0.00012.
gnomAD v4.1: 157 of 1,210,823 alleles (0.013%); highest among the groups gnomAD compares: Middle Eastern, 0.21%; no homozygotes.

Submissions 1 to 14 of 28:

PreventionGenetics, part of Exact Sciences
Classification: Pathogenic for G6PD-related condition. Last evaluated: 2026-06-04. Review status: criteria provided, single submitter. Criteria: ACMG Guidelines, 2015. Collection method: clinical testing. Allele origin: germline.
Comment: The G6PD c.1003G>A variant is predicted to result in the amino acid substitution p.Ala335Thr. This variant, also known as G6PD Chatham, has previously been reported to be causative for glucose-6-phosphate dehydrogenase deficiency (Vulliamy et al. 1988. PubMed ID: 3393536; Al-Allawi et al. 2010. PubMed ID: 20602793; Iwai et al. 2001. PubMed ID: 11499668). This variant is reported in 0.13% of alleles in individuals of South Asian descent in gnomAD and has been interpreted as pathogenic in ClinVar (Variation ID: 10363). This variant is interpreted as pathogenic.

CeGaT Center for Human Genetics Tuebingen
Classification: Pathogenic. Last evaluated: 2026-06-01. Review status: criteria provided, single submitter. Criteria: CeGaT Center For Human Genetics Tuebingen Variant Classification Criteria Version 2. Collection method: clinical testing. Allele origin: germline. Affected: yes. Observed: 13 variant alleles.
Comment: G6PD: PS4, PM5, PS3:Moderate, PM2:Supporting, PP1, PP4

Victorian Clinical Genetics Services, Murdoch Childrens Research Institute
Classification: Pathogenic for Anemia, nonspherocytic hemolytic, due to G6PD deficiency. Last evaluated: 2026-01-20. Review status: criteria provided, single submitter. Criteria: ACMG Guidelines, 2015. Collection method: clinical testing. Allele origin: germline. Affected: no.
Comment: This variant is classified as Pathogenic. Evidence in support of pathogenic classification: Variant is present in gnomAD (v2) <0.01 for a recessive condition (12 heterozygotes, 0 homozygotes, 23 hemizygotes); This variant has strong previous evidence of pathogenicity in unrelated individuals. This variant has been reported many times as pathogenic, and described as the Chatham variant (ClinVar, PMID: 33100726). Additional information: Variant is predicted to result in a missense amino acid change from alanine to threonine; This variant is heterozygous; This gene is associated with X-linked recessive disease. Males with hemizygous variants and females with homozygous variants are commonly affected; however, some females with heterozygous variants can be affected depending on X-inactivation; Multiple alternative amino acid changes at the same position have been observed in gnomAD (v2) (highest allele count: 1 heterozygote, 0 homozygotes, 0 hemizygotes); Variant is located in the annotated glucose-6-phosphate dehydrogenase, C-terminal domain (DECIPHER); Missense variant with conflicting in silico predictions and uninformative conservation; Loss of function is a known mechanism of disease in this gene and is associated with G6PD deficient congenital nonspherocytic haemolytic anaemia 1 (MIM#300908); Inheritance information for this variant is not currently available in this individual.

Labcorp Genetics (formerly Invitae), Labcorp
Classification: Pathogenic for Anemia, nonspherocytic hemolytic, due to G6PD deficiency. Last evaluated: 2025-12-19. Review status: criteria provided, single submitter. Criteria: Invitae Variant Classification Sherloc (09022015). Collection method: clinical testing. Allele origin: germline.
Comment: This sequence change replaces alanine, which is neutral and non-polar, with threonine, which is neutral and polar, at codon 335 of the G6PD protein (p.Ala335Thr). This variant is present in population databases (rs5030869, gnomAD 0.1%), and has an allele count higher than expected for a pathogenic variant. This missense change has been observed in individuals with glucose-6-phosphatedehydrogenase deficiency (PMID: 3393536, 11499668, 12497642, 15315792, 16927025, 20602793, 21677401, 22293322, 25548459, 26060661). This variant is also known as the Chatham variant. ClinVar contains an entry for this variant (Variation ID: 10363). Invitae Evidence Modeling of protein sequence and biophysical properties (such as structural, functional, and spatial information, amino acid conservation, physicochemical variation, residue mobility, and thermodynamic stability) indicates that this missense variant is expected to disrupt G6PD protein function with a positive predictive value of 95%. Experimental studies have shown that this missense change affects G6PD function (PMID: 3393536). This variant disrupts the p.Ala335 amino acid residue in G6PD. Other variant(s) that disrupt this residue have been determined to be pathogenic (PMID: 7803800, 15625830, 25775246). This suggests that this residue is clinically significant, and that variants that disrupt this residue are likely to be disease-causing. For these reasons, this variant has been classified as Pathogenic.

ARUP Laboratories, Molecular Genetics and Genomics, ARUP Laboratories
Classification: Pathogenic. Last evaluated: 2025-06-02. Review status: criteria provided, single submitter. Criteria: ARUP Molecular Germline Variant Investigation Process 2024. Collection method: clinical testing. Allele origin: germline.
Comment: The G6PD c.1003G>A; p.Ala335Thr variant (rs5030869), commonly known as G6PD Chatham, is one of the most common G6PD deficiency alleles worldwide and is considered a Class II variant with severe enzymatic deficiency (Gandomani 2011, Mesbah-Namin 2002, Vulliamy 1988). This variant is reported in ClinVar (Variation ID: 10363) and is found predominantly in the South Asian population with an overall allele frequency of 0.13% (25/19065 alleles, including 19 hemizygotes) in the Genome Aggregation Database (v2.1.1). Computational analyses are uncertain whether this variant is neutral or deleterious (REVEL: 0.609). Based on available information, this variant is considered to be pathogenic. References: Gandomani MG et al. Molecular identification of G6PD Chatham (G1003A) in Khuzestan province of Iran. J Genet. 2011 Apr;90(1):143-5. PMID: 21677401. Mesbah-Namin SA et al. Three major glucose-6-phosphate dehydrogenase-deficient polymorphic variants identified in Mazandaran state of Iran. Br J Haematol. 2002 Jun;117(3):763-4. PMID: 12028056. Vulliamy TJ et al. Diverse point mutations in the human glucose-6-phosphate dehydrogenase gene cause enzyme deficiency and mild or severe hemolytic anemia. Proc Natl Acad Sci U S A. 1988 Jul;85(14):5171-5. PMID: 3393536.

Center for Genomic Medicine, Rigshospitalet, Copenhagen University Hospital
Classification: Pathogenic. Last evaluated: 2025-03-04. Review status: criteria provided, single submitter. Criteria: ACMG Guidelines, 2015. Collection method: clinical testing. Allele origin: germline.

Centre for Clinical Genetics and Genomic Diagnostics, Zealand University Hospital
Classification: Pathogenic. Last evaluated: 2025-02-28. Review status: criteria provided, single submitter. Criteria: ACMG Guidelines, 2015. Collection method: clinical testing. Allele origin: germline.

Blueprint Genetics
Classification: Pathogenic for G6PD-related disorders. Last evaluated: 2024-10-17. Review status: criteria provided, single submitter. Criteria: ACMG Guidelines, 2015. Collection method: clinical testing. Allele origin: germline. Affected: yes. Observed: 5 variant alleles.

Revvity Omics, Revvity
Classification: Pathogenic for Anemia, nonspherocytic hemolytic, due to G6PD deficiency. Last evaluated: 2024-06-23. Review status: criteria provided, single submitter. Criteria: ACMG Guidelines, 2015. Collection method: clinical testing. Allele origin: germline.

GeneDx
Classification: Pathogenic. Last evaluated: 2024-06-14. Review status: criteria provided, single submitter. Criteria: GeneDx Variant Classification Process June 2021. Collection method: clinical testing. Allele origin: germline. Affected: yes.
Comment: In silico analysis indicates that this missense variant does not alter protein structure/function; This variant is associated with the following publications: (PMID: 21931771, 27391121, 28376293, 28824188, 21173806, 14505231, 16927025, 3393536, 28069791, 27980749, 28132692, 34272389, 33069889, 34426522, 12215013, 36007526, 28902532, 38225994, 36150187, 37260775, 38085718, 38480019, 37415281, 37119244, 12028056, 36681081, 36746659)

Baylor Genetics
Classification: Pathogenic for Malaria, susceptibility to. Last evaluated: 2024-03-29. Review status: criteria provided, single submitter. Criteria: ACMG Guidelines, 2015. Collection method: clinical testing. Allele origin: unknown.

Genomic Medicine Center of Excellence, King Faisal Specialist Hospital and Research Centre
Classification: Pathogenic for Anemia, nonspherocytic hemolytic, due to G6PD deficiency. Last evaluated: 2024-03-29. Review status: criteria provided, single submitter. Criteria: ACMG Guidelines, 2015. Collection method: clinical testing. Allele origin: germline.

Clinical Genetics Laboratory, Skane University Hospital Lund
Classification: Pathogenic. Last evaluated: 2023-12-27. Review status: criteria provided, single submitter. Criteria: ACMG Guidelines, 2015. Collection method: clinical testing. Allele origin: germline. Affected: yes.

Intergen Genetics and Rare Diseases Diagnosis Center
Classification: Pathogenic for Anemia, nonspherocytic hemolytic, due to G6PD deficiency. Last evaluated: 2023-07-04. Review status: criteria provided, single submitter. Criteria: ACMG Guidelines, 2015. Collection method: clinical testing. Allele origin: unknown. Inheritance: X-linked inheritance.